The following is an entry in ClinVar:

ClinVar aggregate classification (germline): Pathogenic. Review status: criteria provided, multiple submitters, no conflicts (2 of 4 stars). 15 submissions from 15 submitters: Pathogenic (14). 1 of the submissions does not count toward it. Last evaluated 2025-11-14.

Conditions:
Lymphangiomyomatosis (LAM). Also called: Lymphangioleiomyomatosis, somatic; Lymphangioleiomyomatosis. Identifiers: Orphanet 538, MedGen C0751674, MONDO:0011705, OMIM 606690.
Isolated focal cortical dysplasia type II (FCORD2). Also called: CORTICAL DYSPLASIA OF TAYLOR; Focal cortical dysplasia type II. Identifiers: Orphanet 268994, MedGen C1846385, MONDO:0011818, OMIM 607341, HP:0032051.
Tuberous sclerosis 2 (TSC2). Identifiers: Orphanet 805, MedGen C1860707, MONDO:0013199, OMIM 613254.
TSC2-related disorder. Also called: TSC2-related condition; TSC2-Related Disorders.
Hereditary cancer-predisposing syndrome. Also called: Tumor predisposition; Neoplastic Syndromes, Hereditary; Hereditary neoplastic syndrome; Hereditary Cancer Syndrome. Identifiers: Orphanet 140162, MedGen C0027672, MeSH D009386, MONDO:0015356.
Tuberous sclerosis syndrome (TSC). Also called: Tuberous Sclerosis Complex; Tuberous sclerosis. Identifiers: Orphanet 805, MedGen C0041341, MONDO:0001734.

Submissions (15):

Variantyx, Inc.
Classification: Pathogenic for Tuberous sclerosis 2. Last evaluated: 2025-11-14. Review status: criteria provided, single submitter. Criteria: Variantyx Assertion Criteria 2022. Collection method: clinical testing. Allele origin: de novo. Inheritance: Autosomal dominant inheritance. Affected: yes.
Comment: This is a nonsense variant in the TSC2 gene (OMIM: 191092). Pathogenic variants in this gene have been associated with autosomal dominant tuberous sclerosis 2. This variant introduces a premature termination codon in exon 14 out of 42a nd is expected to result in loss of function, which is a known disease mechanism for TSC2 in this disorder (PMID: 31525612, 10205261, 29932062) (PVS1). Thievariant has been reported in at least two unrelated affected individuals (PMID: 10090883, 11112665) (PS4_Moderate), while it is absent from control populations (PM2). Based on the current evidence, this variant is classified as pathogenic for autosomal dominant tuberous sclerosis 2.

Labcorp Genetics (formerly Invitae), Labcorp
Classification: Pathogenic for Tuberous sclerosis 2. Last evaluated: 2025-08-03. Review status: criteria provided, single submitter. Criteria: Invitae Variant Classification Sherloc (09022015). Collection method: clinical testing. Allele origin: germline.
Comment: This sequence change creates a premature translational stop signal (p.Arg458*) in the TSC2 gene. It is expected to result in an absent or disrupted protein product. Loss-of-function variants in TSC2 are known to be pathogenic (PMID: 10205261, 17304050). This variant is not present in population databases (gnomAD no frequency). This premature translational stop signal has been observed in individual(s) with tuberous sclerosis complex (PMID: 10090883, 11112665, 15121797, 20633017, 21510812, 21520333, 25782670, 28065512). Invitae Evidence Modeling of clinical and family history, age, sex, and reported ancestry of multiple individuals with this TSC2 variant has been performed. This variant is expected to be pathogenic with a positive predictive value of at least 99%. This is a validated machine learning model that incorporates the clinical features of 1,224,362 individuals referred to our laboratory for TSC2 testing. ClinVar contains an entry for this variant (Variation ID: 49153). For these reasons, this variant has been classified as Pathogenic.

CeGaT Center for Human Genetics Tuebingen
Classification: Pathogenic. Last evaluated: 2025-01-01. Review status: criteria provided, single submitter. Criteria: CeGaT Center For Human Genetics Tuebingen Variant Classification Criteria Version 2. Collection method: clinical testing. Allele origin: germline. Affected: yes. Observed: 1 variant allele.
Comment: TSC2: PVS1, PM2, PS4:Supporting

Victorian Clinical Genetics Services, Murdoch Childrens Research Institute
Classification: Pathogenic for Tuberous sclerosis 2. Last evaluated: 2024-10-09. Review status: criteria provided, single submitter. Criteria: ACMG Guidelines, 2015. Collection method: clinical testing. Allele origin: germline. Inheritance: Autosomal dominant inheritance. Affected: yes.
Comment: Based on the classification scheme VCGS_Germline_v1.3.4, this variant is classified as Pathogenic. Following criteria are met: 0102 - Loss of function is a known mechanism of disease in this gene and is associated with tuberous sclerosis-2 (MIM#613254). (I) 0107 - This gene is associated with autosomal dominant disease. (I) 0115 - Variants in this gene are known to have variable expressivity. Clinical manifestations demonstrate great phenotypic variability, where even within families the clinical symptoms can vary significantly among individuals (PMID: 31018109). (I) 0201 - Variant is predicted to cause nonsense-mediated decay (NMD) and loss of protein (premature termination codon is located at least 54 nucleotides upstream of the final exon-exon junction). (SP) 0251 - This variant is heterozygous. (I) 0301 - Variant is absent from gnomAD (both v2 and v3). (SP) 0701 - Other NMD-predicted variants comparable to the one identified in this case have very strong previous evidence for pathogenicity (DECIPHER). (SP) 0801 - This variant has strong previous evidence of pathogenicity in unrelated individuals. It has been reported as pathogenic by multiple clinical laboratories (ClinVar). (SP) 1208 - Inheritance information for this variant is not currently available in this individual. (I) Legend: (SP) - Supporting pathogenic, (I) - Information, (SB) - Supporting benign

Dubai Health Genomic Medicine Center, Dubai Health
Classification: Pathogenic for Lymphangioleiomyomatosis. Last evaluated: 2024-10-04. Review status: criteria provided, single submitter. Criteria: ACMG Guidelines, 2015. Collection method: research. Allele origin: germline. Affected: yes.
Comment: PVS1, PS4_moderate, PM2

Athena Diagnostics
Classification: Pathogenic. Last evaluated: 2024-07-29. Review status: criteria provided, single submitter. Criteria: Athena Diagnostics Criteria. Collection method: clinical testing. Allele origin: unknown.
Comment: This variant is expected to result in the loss of a functional protein. This variant has not been reported in large, multi-ethnic general populations. This variant has been identified in multiple unrelated individuals with clinical features associated with this gene.

Ambry Genetics
Classification: Pathogenic for Hereditary cancer-predisposing syndrome. Last evaluated: 2024-07-12. Review status: criteria provided, single submitter. Criteria: Ambry Variant Classification Scheme 2023. Collection method: clinical testing. Allele origin: germline.
Comment: The p.R458* variant (also known as c.1372C>T), located in coding exon 13 of the TSC2 gene, results from a C to T substitution at nucleotide position 1372. This changes the amino acid from an arginine to a stop codon within coding exon 13. This variant was reported in multiple individuals who met clinical criteria for Tuberous sclerosis complex (Rose VM et al. Am J Hum Genet, 1999 Apr;64:986-92; Dabora SL et al. Am J Hum Genet, 2001 Jan;68:64-80; Roberts PS et al. J Med Genet, 2004 May;41:e69; Au KS et al. Genet Med, 2007 Feb;9:88-100; Tsai TS et al. Genet Test Mol Biomarkers, 2011 Jun;15:415-21; Ding Y et al. Front Genet, 2020 Mar;11:204; Og&oacute;rek B et al. Genet Med, 2020 Sep;22:1489-1497; Meng Y et al. J Hum Genet, 2021 Mar;66:227-236; Milon V et al. Eur J Hum Genet, 2024 May). This variant is considered to be rare based on population cohorts in the Genome Aggregation Database (gnomAD). This alteration is expected to result in loss of function by premature protein truncation or nonsense-mediated mRNA decay. As such, this alteration is interpreted as a disease-causing mutation.

Division of Genomic Medicine, Department of Advanced Medicine, Medical Research Institute, Kanazawa Medical University
Classification: Pathogenic for Tuberous sclerosis 2. Last evaluated: 2022-07-19. Review status: criteria provided, single submitter. Criteria: ACMG Guidelines, 2015. Collection method: clinical testing. Allele origin: germline. Affected: yes. Observed: 2 variant alleles.

GeneDx
Classification: Pathogenic. Last evaluated: 2022-07-08. Review status: criteria provided, single submitter. Criteria: GeneDx Variant Classification Process June 2021. Collection method: clinical testing. Allele origin: germline. Affected: yes.
Comment: Nonsense variant predicted to result in protein truncation or nonsense mediated decay in a gene for which loss-of-function is a known mechanism of disease; Not observed at significant frequency in large population cohorts (gnomAD); This variant is associated with the following publications: (PMID: 29925043, 28065512, 25782670, 32211034, 11112665, 17304050, 25525159, 26563443, 10090883, 21510812, 20633017, 15121797, 15798777, 32461669, 32917966, 30787465, 36703223, 35870981, 36232477)

Blueprint Genetics
Classification: Pathogenic for TSC2-related disorders. Last evaluated: 2021-11-26. Review status: criteria provided, single submitter. Criteria: ACMG Guidelines, 2015. Collection method: clinical testing. Allele origin: germline. Affected: yes. Observed: 2 variant alleles.

Genome-Nilou Lab
Classification: Pathogenic for Tuberous sclerosis 2. Last evaluated: 2021-11-07. Review status: criteria provided, single submitter. Criteria: ACMG Guidelines, 2015. Collection method: clinical testing. Allele origin: germline. Affected: no.

Clinical Molecular Genetics Laboratory, Johns Hopkins All Children's Hospital
Classification: Pathogenic for Tuberous sclerosis syndrome. Last evaluated: 2019-07-17. Review status: criteria provided, single submitter. Criteria: ACMG Guidelines, 2015. Collection method: clinical testing. Allele origin: germline. Inheritance: Autosomal dominant inheritance. Affected: yes. Observed: 1 heterozygote.

Clinical Genetics Service, Universitary Hospital 12 de Octubre
Classification: Pathogenic for Tuberous sclerosis 2. Review status: criteria provided, single submitter. Criteria: ACMG Guidelines, 2015. Collection method: clinical testing. Allele origin: germline. Affected: yes.

Juno Genomics, Hangzhou Juno Genomics, Inc
Classification: Pathogenic for Isolated focal cortical dysplasia type II; Lymphangiomyomatosis; Tuberous sclerosis 2. Review status: criteria provided, single submitter. Criteria: ACMG Guidelines, 2015. Collection method: clinical testing. Allele origin: germline. Affected: yes.
Comment: Null variant in a gene where loss of function (LOF) is a known mechanism of disease.;Absent from controls (or at extremely low frequency if recessive) in Genome Aggregation Database, Exome Sequencing Project, 1000 Genomes Project, or Exome Aggregation Consortium.;The prevalence of the variant in affected individuals is significantly increased compared to the prevalence in controls.;Assumed de novo, but without confirmation of paternity and maternity.;Patient's phenotype or family history is highly specific for a disease with a single genetic etiology.

Tuberous sclerosis database (TSC2)
No classification provided. Condition: TSC. Review status: no classification provided. Criteria: Tuberous Sclerosis Database Assertion Criteria 2015. Collection method: curation. Allele origin: germline. Affected: yes. Not counted in ClinVar's aggregate classification.

Literature cited by the submitters: PubMed 31525612 (cited by Variantyx, Inc.); PubMed 10205261 (cited by Variantyx, Inc. and Labcorp Genetics (formerly Invitae), Labcorp); PubMed 29932062 (cited by Variantyx, Inc.); PubMed 10090883 (cited by 4 submitters); PubMed 11112665 (cited by 4 submitters); PubMed 32211034 (cited by Variantyx, Inc. and Ambry Genetics); PubMed 17304050 (cited by 3 submitters); PubMed 15121797 (cited by 3 submitters); PubMed 20633017 (cited by Labcorp Genetics (formerly Invitae), Labcorp and Athena Diagnostics); PubMed 21510812 (cited by 3 submitters); PubMed 21520333 (cited by Labcorp Genetics (formerly Invitae), Labcorp); PubMed 25782670 (cited by Labcorp Genetics (formerly Invitae), Labcorp and Athena Diagnostics); PubMed 28065512 (cited by Labcorp Genetics (formerly Invitae), Labcorp and Athena Diagnostics); PubMed 31018109 (cited by Victorian Clinical Genetics Services, Murdoch Childrens Research Institute); PubMed 32461669 (cited by Ambry Genetics); PubMed 32917966 (cited by Ambry Genetics); PubMed 38806662 (cited by Ambry Genetics).

NM_000548.5(TSC2):c.1372C>T (p.Arg458Ter)

Gene: TSC2 (TSC complex subunit 2; plus strand). Cytogenetic location: 16p13.3.
Variant type: single nucleotide variant.
Coding change: c.1372C>T on transcript NM_000548.5 (MANE Select); coding-DNA position 1372, C replaced by T.
Protein change: p.Arg458Ter; replaces arginine 458 with a stop codon.
Molecular consequence: nonsense.
Genome position (GRCh38, 1-based): chr16:2,062,982, C>T. VCF-style: chr16-2062982-C-T. GRCh37 (hg19) VCF-style: chr16-2112983-C-T.
Other names: c.1372C>T, p.Arg458Ter (NM_001077183.3, NM_001114382.3, NM_001363528.2 and 3 more transcripts); c.1261C>T, p.Arg421Ter (NM_001318827.2); c.1225C>T, p.Arg409Ter (NM_001318829.2); c.772C>T, p.Arg258Ter (NM_001318831.2); c.1405C>T, p.Arg469Ter (NM_001318832.2); c.1372C>T (NM_000548.4); short protein forms R458*, R469*, R258*, R409*, R421*.
Identifiers: ClinVar variation 49153 (VCV000049153.41), dbSNP rs45517169, ClinGen allele CA014613.